The following is an entry in ClinVar:

ClinVar aggregate classification (germline): Uncertain significance (1 of 4 stars; one submission).

Conditions:
Seizures, benign familial infantile, 3 (BFIS3). Also called: CONVULSIONS, BENIGN FAMILIAL INFANTILE, 3; Familial neonatal seizures. Identifiers: Orphanet 140927, Orphanet 306, MedGen C1843140, MONDO:0011904, OMIM 607745.
Developmental and epileptic encephalopathy, 11 (DEE11). Also called: Early infantile epileptic encephalopathy 11. Identifiers: Orphanet 1934, MedGen C3150987, MONDO:0013388, OMIM 613721.

Allele frequency attached by ClinVar (database versions not stated): gnomAD exomes below 0.00001.
gnomAD v4.1: 2 of 1,613,870 alleles (0.00012%); highest among the groups gnomAD compares: East Asian, 0.0022%; no homozygotes.

Submission:

Labcorp Genetics (formerly Invitae), Labcorp
Classification: Uncertain significance for Seizures, benign familial infantile, 3; Developmental and epileptic encephalopathy, 11. Last evaluated: 2023-04-15. Review status: criteria provided, single submitter. Criteria: Invitae Variant Classification Sherloc (09022015). Collection method: clinical testing. Allele origin: germline.
Comment: This sequence change replaces alanine, which is neutral and non-polar, with threonine, which is neutral and polar, at codon 465 of the SCN2A protein (p.Ala465Thr). This variant is not present in population databases (gnomAD no frequency). This variant has not been reported in the literature in individuals affected with SCN2A-related conditions. Advanced modeling of protein sequence and biophysical properties (such as structural, functional, and spatial information, amino acid conservation, physicochemical variation, residue mobility, and thermodynamic stability) performed at Invitae indicates that this missense variant is not expected to disrupt SCN2A protein function. In summary, the available evidence is currently insufficient to determine the role of this variant in disease. Therefore, it has been classified as a Variant of Uncertain Significance.

NM_001040142.2(SCN2A):c.1393G>A (p.Ala465Thr)

Gene: SCN2A (sodium voltage-gated channel alpha subunit 2; plus strand). Cytogenetic location: 2q24.3.
Variant type: single nucleotide variant.
Coding change: c.1393G>A on transcript NM_001040142.2 (MANE Select); coding-DNA position 1393, G replaced by A.
Protein change: p.Ala465Thr; replaces alanine 465 with threonine.
Molecular consequence: missense variant.
Genome position (GRCh38, 1-based): chr2:165,315,480, G>A. VCF-style: chr2-165315480-G-A. GRCh37 (hg19) VCF-style: chr2-166171990-G-A.
Other names: c.1393G>A, p.Ala465Thr (NM_001040143.2, NM_001371246.1, NM_001371247.1 and 1 more transcripts); short protein forms A465T.
Identifiers: ClinVar variation 2946739 (VCV002946739.3), dbSNP rs1574571828, ClinGen allele CA349022652.